The following is an entry in ClinVar:

NM_006514.4(SCN10A):c.602A>G (p.Tyr201Cys)

Gene: SCN10A (sodium voltage-gated channel alpha subunit 10; minus strand). Cytogenetic location: 3p22.2.
Variant type: single nucleotide variant.
Coding change: c.602A>G on transcript NM_006514.4 (MANE Select); coding-DNA position 602, A replaced by G.
Protein change: p.Tyr201Cys; replaces tyrosine 201 with cysteine.
Molecular consequence: missense variant.
Genome position (GRCh38, 1-based): chr3:38,763,594, T>C on the plus strand (A>G on the coding strand, the complement: SCN10A is on the minus strand). VCF-style: chr3-38763594-T-C. GRCh37 (hg19) VCF-style: chr3-38805085-T-C.
Other names: c.602A>G, p.Tyr201Cys (NM_001293306.2, NM_001293307.2); short protein forms Y201C.
Identifiers: ClinVar variation 1751159 (VCV001751159.2), dbSNP rs2063900177, ClinGen allele CA352172235.

ClinVar aggregate classification (germline): Uncertain significance (1 of 4 stars; one submission).

Conditions:
Cardiovascular phenotype. Identifiers: MedGen CN230736.

Allele frequency attached by ClinVar (database versions not stated): gnomAD exomes below 0.00001.
gnomAD v4.1: 1 of 1,613,018 alleles (0.000062%); highest among the groups gnomAD compares: East Asian, 0.0022%; no homozygotes.

Submission:

Ambry Genetics
Classification: Uncertain significance for Cardiovascular phenotype. Last evaluated: 2020-01-31. Review status: criteria provided, single submitter. Criteria: Ambry Variant Classification Scheme 2023. Collection method: clinical testing. Allele origin: germline.
Comment: The p.Y201C variant (also known as c.602A>G), located in coding exon 5 of the SCN10A gene, results from an A to G substitution at nucleotide position 602. The tyrosine at codon 201 is replaced by cysteine, an amino acid with highly dissimilar properties. This amino acid position is well conserved in available vertebrate species; however, cysteine is the reference amino acid in other vertebrate species. In addition, this alteration is predicted to be deleterious by in silico analysis. Since supporting evidence is limited at this time, the clinical significance of this alteration remains unclear.